The following is an entry in ClinVar:

NM_000127.3(EXT1):c.287del (p.Lys96fs)

Gene: EXT1 (exostosin glycosyltransferase 1; minus strand). Cytogenetic location: 8q24.11.
Variant type: Deletion.
Coding change: c.287del on transcript NM_000127.3 (MANE Select); coding-DNA position 287, one base deleted (A; older notation c.287delA).
Protein change: p.Lys96fs; shifts the reading frame from lysine 96.
Molecular consequence: frameshift variant.
Genome position (GRCh38, 1-based): chr8:118,110,760, T deleted on the plus strand (A on the coding strand, the reverse complement: EXT1 is on the minus strand); the first of 2 consecutive T bases (chr8:118,110,760-118,110,761); deleting either gives the same sequence. VCF-style (leftmost placement, unchanged base first): chr8-118110759-CT-C. GRCh37 (hg19) VCF-style: chr8-119122998-CT-C.
Other names: short protein forms K96fs.
Identifiers: ClinVar variation 837584 (VCV000837584.7), dbSNP rs1817884791, ClinGen allele CA916081529.
Genomic context (GRCh38, chr8:118,110,759, plus strand): 5'-GACTTTGAAGCCGTTTTTCTTGCAAAGGGTGAAATCGAAGCAGGACTCCATGCGGCACTT[CT>C]TGCCTTTGTAGATGCTGGAGTTGGCATCTCGCTTCTGCCGGGGGGAAATGTGCACGCTGG-3'

ClinVar aggregate classification (germline): Pathogenic (1 of 4 stars; one submission).

Conditions:
Multiple congenital exostosis (EXT). Also called: Hereditary multiple exostoses; Hereditary multiple exostosis; Hereditary multiple osteochondromas; MULTIPLE CARTILAGINOUS EXOSTOSES; Multiple exostoses; Multiple osteochondromas. Identifiers: Orphanet 321, MedGen C0015306, MONDO:0005508, HP:0002762.

Submission:

Labcorp Genetics (formerly Invitae), Labcorp
Classification: Pathogenic for Multiple congenital exostosis. Last evaluated: 2019-03-21. Review status: criteria provided, single submitter. Criteria: Invitae Variant Classification Sherloc (09022015). Collection method: clinical testing. Allele origin: germline.
Comment: This sequence change creates a premature translational stop signal (p.Lys96Argfs*40) in the EXT1 gene. It is expected to result in an absent or disrupted protein product. This variant is not present in population databases (ExAC no frequency). This variant has not been reported in the literature in individuals with EXT1-related conditions. Loss-of-function variants in EXT1 are known to be pathogenic (PMID: 10679937, 11391482, 19810120). For these reasons, this variant has been classified as Pathogenic.

Literature cited by the submitters: PubMed 10679937; PubMed 11391482; PubMed 19810120.